The following is an entry in ClinVar:

ClinVar aggregate classification (germline): Uncertain significance (1 of 4 stars; one submission).

Allele frequency attached by ClinVar (database versions not stated): gnomAD exomes 0.00002.
gnomAD v4.1: 9 of 1,613,724 alleles (0.00056%); highest among the groups gnomAD compares: Admixed American, 0.012%; no homozygotes.

Submission:

Labcorp Genetics (formerly Invitae), Labcorp
Classification: Uncertain significance. Last evaluated: 2024-01-15. Review status: criteria provided, single submitter. Criteria: Invitae Variant Classification Sherloc (09022015). Collection method: clinical testing. Allele origin: germline.
Comment: This sequence change affects codon 523 of the ADAMTS13 mRNA. It is a 'silent' change, meaning that it does not change the encoded amino acid sequence of the ADAMTS13 protein. This variant is present in population databases (no rsID available, gnomAD 0.02%). This variant has not been reported in the literature in individuals affected with ADAMTS13-related conditions. ClinVar contains an entry for this variant (Variation ID: 1985155). Algorithms developed to predict the effect of sequence changes on RNA splicing suggest that this variant may create or strengthen a splice site. In summary, the available evidence is currently insufficient to determine the role of this variant in disease. Therefore, it has been classified as a Variant of Uncertain Significance.

NM_139027.6(ADAMTS13):c.1569G>A (p.Val523=)

Gene: ADAMTS13 (ADAM metallopeptidase with thrombospondin type 1 motif 13; plus strand). Cytogenetic location: 9q34.2.
Variant type: single nucleotide variant.
Coding change: c.1569G>A on transcript NM_139027.6 (MANE Select); coding-DNA position 1569, G replaced by A.
Protein change: p.Val523=; no amino-acid change (valine 523 retained).
Molecular consequence: synonymous variant.
Genome position (GRCh38, 1-based): chr9:133,437,882, G>A. VCF-style: chr9-133437882-G-A. GRCh37 (hg19) VCF-style: chr9-136303002-G-A.
Other names: c.1569G>A, p.Val523= (NM_139025.5); c.1476G>A, p.Val492= (NM_139026.6).
Identifiers: ClinVar variation 1985155 (VCV001985155.4), dbSNP rs1554789598, ClinGen allele CA860756235.
Genomic context (GRCh38, chr9:133,437,882, plus strand): 5'-CGATGGGACCCGGTGTATGCCAAGTGGCCCCCGGGAGGACGGGACCCTGAGCCTGTGTGT[G>A]TCGGGCAGCTGCAGGGTAGGCGTGTGTGGACATTGGCGATGGCCCTGGGGCCTACCTGTC-3'
Protein context (NP_620596.2, residues 513-533): PREDGTLSLC[Val523=]SGSCRTFGCD